The following is an entry in ClinVar:

NM_001008212.2(OPTN):c.97G>C (p.Asp33His)

Genes: OPTN (optineurin; plus strand), LOC108903148 (10p13 OPTN distal Alu-mediated recombination region; plus strand). Cytogenetic location: 10p13.
Variant type: single nucleotide variant.
Coding change: c.97G>C on transcript NM_001008212.2 (MANE Select); coding-DNA position 97, G replaced by C.
Protein change: p.Asp33His; replaces aspartic acid 33 with histidine.
Molecular consequence: missense variant.
Genome position (GRCh38, 1-based): chr10:13,109,219, G>C. VCF-style: chr10-13109219-G-C. GRCh37 (hg19) VCF-style: chr10-13151219-G-C.
Other names: c.97G>C, p.Asp33His (NM_001008211.1, NM_001008213.1, NM_021980.4); short protein forms D33H.
Identifiers: ClinVar variation 2951223 (VCV002951223.3), dbSNP rs2539033570, ClinGen allele CA376027129.

ClinVar aggregate classification (germline): Uncertain significance (1 of 4 stars; one submission).

Conditions:
Primary open angle glaucoma (POAG). Also called: OPTN-related open angle glaucoma. Identifiers: MedGen C0339573, MONDO:0100553, OMIM 137760.
Glaucoma 1, open angle, E. Identifiers: MedGen C1842026, MONDO:0007665.
Amyotrophic lateral sclerosis type 12 (ALS12). Also called: AMYOTROPHIC LATERAL SCLEROSIS 12 WITH OR WITHOUT FRONTOTEMPORAL DEMENTIA. Identifiers: Orphanet 803, MedGen C3150692, MONDO:0013264, OMIM 613435.

Submission:

Labcorp Genetics (formerly Invitae), Labcorp
Classification: Uncertain significance for Primary open angle glaucoma; Glaucoma 1, open angle, E; Amyotrophic lateral sclerosis type 12. Last evaluated: 2023-10-04. Review status: criteria provided, single submitter. Criteria: Invitae Variant Classification Sherloc (09022015). Collection method: clinical testing. Allele origin: germline.
Comment: This sequence change replaces aspartic acid, which is acidic and polar, with histidine, which is basic and polar, at codon 33 of the OPTN protein (p.Asp33His). This variant is not present in population databases (gnomAD no frequency). This variant has not been reported in the literature in individuals affected with OPTN-related conditions. Advanced modeling of protein sequence and biophysical properties (such as structural, functional, and spatial information, amino acid conservation, physicochemical variation, residue mobility, and thermodynamic stability) performed at Invitae indicates that this missense variant is not expected to disrupt OPTN protein function. In summary, the available evidence is currently insufficient to determine the role of this variant in disease. Therefore, it has been classified as a Variant of Uncertain Significance.